The following is an entry in ClinVar:

NM_014946.4(SPAST):c.1326_1331del (p.Glu442_Val443del)

Gene: SPAST (spastin; plus strand). Cytogenetic location: 2p22.3.
Variant type: Deletion.
Coding change: c.1326_1331del on transcript NM_014946.4 (MANE Select); coding-DNA positions 1326 to 1331, 6 bases deleted (AGTTGA; older notation c.1326_1331delAGTTGA).
Protein change: p.Glu442_Val443del.
Molecular consequence: inframe deletion.
Genome position (GRCh38, 1-based): chr2:32,136,881-32,136,886, AGTTGA deleted; deleting any 6 consecutive bases within chr2:32,136,878-32,136,886 gives the same sequence; the c. name uses the placement nearest the transcript's 3' end. VCF-style (leftmost placement, unchanged base first): chr2-32136877-ATGAAGT-A. GRCh37 (hg19) VCF-style: chr2-32361946-ATGAAGT-A.
Other names: c.1323_1328del, p.Glu441_Val442del (NM_001363823.2); c.1227_1232del, p.Glu409_Val410del (NM_001363875.2); c.1230_1235del, p.Glu410_Val411del (NM_001377959.1, NM_199436.2).
Identifiers: ClinVar variation 2444173 (VCV002444173.1), dbSNP rs2465883982, ClinGen allele CA2580066407.

ClinVar aggregate classification (germline): Uncertain significance (1 of 4 stars; one submission).

Conditions:
Hereditary spastic paraplegia 4. Also called: Spastic paraplegia 4, autosomal dominant; Spastic Paraplegia 4; Familial spastic paraplegia autosomal dominant 2. Identifiers: Orphanet 100985, MedGen C1866855, MONDO:0008438, OMIM 182601.

Submission:

3billion
Classification: Uncertain significance for Hereditary spastic paraplegia 4. Last evaluated: 2023-02-23. Review status: criteria provided, single submitter. Criteria: ACMG Guidelines, 2015. Collection method: clinical testing. Allele origin: unknown. Affected: yes.
Comment: The variant is not observed in the gnomAD v2.1.1 dataset. Inframe deletion located in a nonrepeat region is predicted to change the length of the protein and disrupt normal protein function. The variant has been reported to be associated with SPAST-related disorder (PMID: 20718791). However, the evidence of pathogenicity is insufficient at this time. Therefore, this variant is classified as VUS according to the recommendation of ACMG/AMP guideline.

Literature cited by the submitters: PubMed 20718791.